The following is an entry in ClinVar:

NM_177924.5(ASAH1):c.931C>T (p.Gln311Ter)

Gene: ASAH1 (N-acylsphingosine amidohydrolase 1; minus strand). Cytogenetic location: 8p22.
Variant type: single nucleotide variant.
Coding change: c.931C>T on transcript NM_177924.5 (MANE Select); coding-DNA position 931, C replaced by T.
Protein change: p.Gln311Ter; replaces glutamine 311 with a stop codon.
Molecular consequence: nonsense.
Genome position (GRCh38, 1-based): chr8:18,059,451, G>A on the plus strand (C>T on the coding strand, the complement: ASAH1 is on the minus strand). VCF-style: chr8-18059451-G-A. GRCh37 (hg19) VCF-style: chr8-17916960-G-A.
Other names: c.913C>T, p.Gln305Ter (NM_001127505.3); c.736C>T, p.Gln246Ter (NM_001363743.2); c.979C>T, p.Gln327Ter (NM_004315.6); short protein forms Q246*, Q311*, Q305*, Q327*.
Identifiers: ClinVar variation 2195338 (VCV002195338.4), dbSNP rs2537916154, ClinGen allele CA370427632.
Genomic context (GRCh38, chr8:18,059,451, plus strand): 5'-CAAGGAAGAAGGGATGTTTCCAACGGTCATAATTTGTTTGTACCACATACCATCTACCCT[G>A]CTTAGCATCGAGTCTAGATACAAAAGGAGAGATTCCCTCTTAGGCTACATGCCTTAAAAC-3'

ClinVar aggregate classification (germline): Pathogenic (1 of 4 stars; one submission).

Allele frequency attached by ClinVar (database versions not stated): gnomAD exomes 0.00001.

Submission:

Labcorp Genetics (formerly Invitae), Labcorp
Classification: Pathogenic. Last evaluated: 2025-11-05. Review status: criteria provided, single submitter. Criteria: Invitae Variant Classification Sherloc (09022015). Collection method: clinical testing. Allele origin: germline.
Comment: This sequence change creates a premature translational stop signal (p.Gln311*) in the ASAH1 gene. It is expected to result in an absent or disrupted protein product. Loss-of-function variants in ASAH1 are known to be pathogenic (PMID: 24164096, 24355074). This variant is not present in population databases (gnomAD no frequency). This variant has not been reported in the literature in individuals affected with ASAH1-related conditions. ClinVar contains an entry for this variant (Variation ID: 2195338). Algorithms developed to predict the effect of sequence changes on RNA splicing suggest that this variant may disrupt the consensus splice site. For these reasons, this variant has been classified as Pathogenic.

Literature cited by the submitters: PubMed 24164096; PubMed 24355074.